The following is an entry in ClinVar:

ClinVar aggregate classification (germline): Uncertain significance (1 of 4 stars; one submission).

Conditions:
Hereditary cancer-predisposing syndrome. Also called: Neoplastic Syndromes, Hereditary; Tumor predisposition; Hereditary neoplastic syndrome; Hereditary Cancer Syndrome. Identifiers: Orphanet 140162, MedGen C0027672, MeSH D009386, MONDO:0015356.

Submission:

Ambry Genetics
Classification: Uncertain significance for Hereditary cancer-predisposing syndrome. Last evaluated: 2026-07-10. Review status: criteria provided, single submitter. Criteria: Ambry Variant Classification Scheme 2023. Collection method: clinical testing. Allele origin: germline.
Comment: The c.1762-2A>C intronic variant results from an A to C substitution two nucleotides upstream from coding exon 10 in the SMARCA4 gene. This nucleotide position is highly conserved in available vertebrate species. In silico splice site analysis predicts that this alteration will weaken the native splice acceptor site and will result in the creation or strengthening of a novel splice acceptor site. RNA studies have demonstrated that this variant results in a transcript predicted to lead to a protein with an in-frame deletion of 1 amino acid; however, the exact functional impact of the deleted amino acid is unknown at this time (Ambry internal data). Based on the available evidence, the clinical significance of this variant remains unclear.

NM_003072.5(SMARCA4):c.1762-2A>C

Gene: SMARCA4 (SWI/SNF related BAF chromatin remodeling complex subunit ATPase 4; plus strand). Cytogenetic location: 19p13.2.
Variant type: single nucleotide variant.
Coding change: c.1762-2A>C on transcript NM_003072.5 (MANE Select); the canonical splice acceptor site of the intron before coding-DNA position 1762, A replaced by C.
Molecular consequence: splice acceptor variant.
Genome position (GRCh38, 1-based): chr19:10,996,492, A>C. VCF-style: chr19-10996492-A-C. GRCh37 (hg19) VCF-style: chr19-11107168-A-C.
Other names: c.1762-2A>C (NM_001128844.3, NM_001128849.3, NM_001128847.4 and 6 more transcripts).
Identifiers: ClinVar variation 5029859 (VCV005029859.1).
Genomic context (GRCh38, chr19:10,996,492, plus strand): 5'-CTTCACGTGTGTGGCCTCAGCCTTGTGGGTCAGGGCCTGACCGTGTCTCTCTCTATTTCC[A>C]GAAGGCAGAAAATGCAGAAGGACAGACGCCTGCCATTGGGCCGGATGGCGAGGTGAGGAA-3'